The following is an entry in ClinVar:

ClinVar aggregate classification (germline): Pathogenic. Review status: criteria provided, multiple submitters, no conflicts (2 of 4 stars). 2 submissions from 2 submitters: Pathogenic (2). Last evaluated 2023-09-11.

Conditions:
Familial cancer of breast. Also called: BREAST CANCER, FAMILIAL; Hereditary breast cancer; hereditary breast carcinoma. Identifiers: Orphanet 227535, MedGen C0346153, MONDO:0016419, OMIM 114480. Disease mechanism: loss of function.
Hereditary cancer-predisposing syndrome. Also called: Neoplastic Syndromes, Hereditary; Tumor predisposition; Hereditary Cancer Syndrome; Hereditary neoplastic syndrome. Identifiers: Orphanet 140162, MedGen C0027672, MeSH D009386, MONDO:0015356.

Submissions (2):

Myriad Genetics, Inc.
Classification: Pathogenic for Familial cancer of breast. Last evaluated: 2023-09-11. Review status: criteria provided, single submitter. Criteria: Myriad Autosomal Dominant, Autosomal Recessive and X-Linked Classification Criteria (2023). Collection method: clinical testing. Allele origin: unknown.
Comment: This variant is considered pathogenic. This variant creates a frameshift predicted to result in premature protein truncation.

Ambry Genetics
Classification: Pathogenic for Hereditary cancer-predisposing syndrome. Last evaluated: 2016-06-02. Review status: criteria provided, single submitter. Criteria: Ambry Variant Classification Scheme 2023. Collection method: clinical testing. Allele origin: germline.
Comment: The c.1653delT pathogenic mutation, located in coding exon 4 of the PALB2 gene, results from a deletion of one nucleotide at nucleotide position 1653, causing a translational frameshift with a predicted alternate stop codon. Since frameshifts are typically deleterious in nature, this alteration is interpreted as a disease-causing mutation (ACMG Recommendations for Standards for Interpretation and Reporting of Sequence Variations. Revision 2007. Genet Med. 2008;10:294).

NM_024675.4(PALB2):c.1653del (p.Gln552fs)

Gene: PALB2 (partner and localizer of BRCA2; minus strand). Cytogenetic location: 16p12.2.
Variant type: Deletion.
Coding change: c.1653del on transcript NM_024675.4 (MANE Select); coding-DNA position 1653, one base deleted (T; older notation c.1653delT).
Protein change: p.Gln552fs; shifts the reading frame from glutamine 552.
Molecular consequence: frameshift variant.
Genome position (GRCh38, 1-based): chr16:23,634,893, A deleted on the plus strand (T on the coding strand, the reverse complement: PALB2 is on the minus strand). VCF-style (leftmost placement, unchanged base first): chr16-23634892-GA-G. GRCh37 (hg19) VCF-style: chr16-23646213-GA-G.
Other names: c.1653delT (NM_024675.3); short protein forms Q552fs.
Identifiers: ClinVar variation 484188 (VCV000484188.6), dbSNP rs1555461174, ClinGen allele CA658658420.